The following is an entry in ClinVar:

NM_015335.5(MED13L):c.2013A>T (p.Arg671Ser)

Gene: MED13L (mediator complex subunit 13L; minus strand). Cytogenetic location: 12q24.21.
Variant type: single nucleotide variant.
Coding change: c.2013A>T on transcript NM_015335.5 (MANE Select); coding-DNA position 2013, A replaced by T.
Protein change: p.Arg671Ser; replaces arginine 671 with serine.
Molecular consequence: missense variant.
Genome position (GRCh38, 1-based): chr12:116,007,636, T>A on the plus strand (A>T on the coding strand, the complement: MED13L is on the minus strand). VCF-style: chr12-116007636-T-A. GRCh37 (hg19) VCF-style: chr12-116445441-T-A.
Other names: short protein forms R671S.
Identifiers: ClinVar variation 3766073 (VCV003766073.1).

ClinVar aggregate classification (germline): Uncertain significance (1 of 4 stars; one submission).

Submission:

GeneDx
Classification: Uncertain significance. Last evaluated: 2024-08-30. Review status: criteria provided, single submitter. Criteria: GeneDx Variant Classification Process June 2021. Collection method: clinical testing. Allele origin: germline. Affected: yes.
Comment: In silico analysis indicates that this missense variant does not alter protein structure/function; Has not been previously published as pathogenic or benign to our knowledge